The following is an entry in ClinVar:

ClinVar aggregate classification (germline): Conflicting classifications of pathogenicity. Review status: criteria provided, conflicting classifications (1 of 4 stars). 2 submissions from 2 submitters: Uncertain significance (1); Likely benign (1). Last evaluated 2023-03-23.

Conditions:
Hereditary breast ovarian cancer syndrome. Also called: Hereditary breast and ovarian cancer; Breast and ovarian cancer; BRCA1- and BRCA2-Associated Hereditary Breast and Ovarian Cancer; Hereditary breast and/or ovarian cancer syndrome; Hereditary breast and ovarian cancer syndrome; Hereditary breast and ovarian cancer syndrome (HBOC). Identifiers: Orphanet 145, MedGen C0677776, MeSH D061325, MONDO:0003582. Disease mechanism: loss of function.
Hereditary cancer-predisposing syndrome. Also called: Tumor predisposition; Hereditary neoplastic syndrome; Hereditary Cancer Syndrome; Neoplastic Syndromes, Hereditary. Identifiers: Orphanet 140162, MedGen C0027672, MeSH D009386, MONDO:0015356.

Submissions (2):

University of Washington Department of Laboratory Medicine, University of Washington
Classification: Likely benign for Hereditary cancer-predisposing syndrome. Last evaluated: 2023-03-23. Review status: criteria provided, single submitter. Criteria: Dines et al. (Genet Med. 2020). Collection method: curation. Allele origin: germline.
Comment: Missense variant in a coldspot region where missense variants are very unlikely to be pathogenic (PMID:31911673).

BRCA2 exon 11 coldspot. Reclassification based on statistical prior probability.

Labcorp Genetics (formerly Invitae), Labcorp
Classification: Uncertain significance for Hereditary breast ovarian cancer syndrome. Last evaluated: 2021-04-01. Review status: criteria provided, single submitter. Criteria: Invitae Variant Classification Sherloc (09022015). Collection method: clinical testing. Allele origin: germline.
Comment: In summary, the available evidence is currently insufficient to determine the role of this variant in disease. Therefore, it has been classified as a Variant of Uncertain Significance. Advanced modeling of protein sequence and biophysical properties (such as structural, functional, and spatial information, amino acid conservation, physicochemical variation, residue mobility, and thermodynamic stability) performed at Invitae indicates that this missense variant is not expected to disrupt BRCA2 protein function. This variant has not been reported in the literature in individuals with BRCA2-related conditions. This variant is not present in population databases (ExAC no frequency). This sequence change replaces asparagine with histidine at codon 1600 of the BRCA2 protein (p.Asn1600His). The asparagine residue is weakly conserved and there is a small physicochemical difference between asparagine and histidine.

NM_000059.4(BRCA2):c.4798A>C (p.Asn1600His)

Gene: BRCA2 (BRCA2 DNA repair associated; plus strand). Cytogenetic location: 13q13.1.
Variant type: single nucleotide variant.
Coding change: c.4798A>C on transcript NM_000059.4 (MANE Select); coding-DNA position 4798, A replaced by C.
Protein change: p.Asn1600His; replaces asparagine 1600 with histidine.
Molecular consequence: missense variant.
Genome position (GRCh38, 1-based): chr13:32,339,153, A>C. VCF-style: chr13-32339153-A-C. GRCh37 (hg19) VCF-style: chr13-32913290-A-C.
Other names: short protein forms N1600H.
Identifiers: ClinVar variation 1463895 (VCV001463895.9), dbSNP rs774484160, ClinGen allele CA387783250.
Genomic context (GRCh38, chr13:32,339,153, plus strand): 5'-TGTGAGACCATTGAGATCACAGCTGCCCCAAAGTGTAAAGAAATGCAGAATTCTCTCAAT[A>C]ATGATAAAAACCTTGTTTCTATTGAGACTGTGGTGCCACCTAAGCTCTTAAGTGATAATT-3'
Protein context (NP_000050.3, residues 1590-1610): KCKEMQNSLN[Asn1600His]DKNLVSIETV